The following is an entry in ClinVar:

NM_001035.3(RYR2):c.12692dup (p.Arg4232fs)

Genes: RYR2 (ryanodine receptor 2; plus strand), LOC126806068 (BRD4-independent group 4 enhancer GRCh37_chr1:237947411-237948610; plus strand). Cytogenetic location: 1q43.
Variant type: Duplication.
Coding change: c.12692dup on transcript NM_001035.3 (MANE Select); coding-DNA position 12692, one base duplicated (C; older notation c.12692dupC).
Protein change: p.Arg4232fs; shifts the reading frame from arginine 4232.
Molecular consequence: frameshift variant.
Genome position (GRCh38, 1-based): chr1:237,784,404, C duplicated; the last of 2 consecutive C bases (chr1:237,784,403-237,784,404); duplicating either gives the same sequence. VCF-style (leftmost placement, unchanged base first): chr1-237784402-G-GC. GRCh37 (hg19) VCF-style: chr1-237947702-G-GC.
Other names: short protein forms R4232fs.
Identifiers: ClinVar variation 2753325 (VCV002753325.3), dbSNP rs2527789702, ClinGen allele CA2697547749.

ClinVar aggregate classification (germline): Uncertain significance (1 of 4 stars; one submission).

Conditions:
Catecholaminergic polymorphic ventricular tachycardia 1. Also called: VENTRICULAR TACHYCARDIA, STRESS-INDUCED POLYMORPHIC 1; VENTRICULAR TACHYCARDIA, CATECHOLAMINERGIC POLYMORPHIC, 1, WITH OR WITHOUT ATRIAL DYSFUNCTION AND/OR DILATED CARDIOMYOPATHY; RYR2-Related Catecholaminergic Polymorphic Ventricular Tachycardia. Identifiers: Orphanet 3286, MedGen C1631597, MONDO:0011484, OMIM 604772.

Submission:

Labcorp Genetics (formerly Invitae), Labcorp
Classification: Uncertain significance for Catecholaminergic polymorphic ventricular tachycardia 1. Last evaluated: 2023-08-17. Review status: criteria provided, single submitter. Criteria: Invitae Variant Classification Sherloc (09022015). Collection method: clinical testing. Allele origin: germline.
Comment: In summary, the available evidence is currently insufficient to determine the role of this variant in disease. Therefore, it has been classified as a Variant of Uncertain Significance. This variant has not been reported in the literature in individuals affected with RYR2-related conditions. This variant is not present in population databases (gnomAD no frequency). This sequence change creates a premature translational stop signal (p.Arg4232Glufs*92) in the RYR2 gene. It is expected to result in an absent or disrupted protein product. However, the current clinical and genetic evidence is not sufficient to establish whether loss-of-function variants in RYR2 cause disease.